The following is an entry in ClinVar:

NM_020821.3(VPS13C):c.2485A>G (p.Met829Val)

Gene: VPS13C (vacuolar protein sorting 13 homolog C; minus strand). Cytogenetic location: 15q22.2.
Variant type: single nucleotide variant.
Coding change: c.2485A>G on transcript NM_020821.3 (MANE Select); coding-DNA position 2485, A replaced by G.
Protein change: p.Met829Val; replaces methionine 829 with valine.
Molecular consequence: missense variant.
Genome position (GRCh38, 1-based): chr15:61,974,341, T>C on the plus strand (A>G on the coding strand, the complement: VPS13C is on the minus strand). VCF-style: chr15-61974341-T-C. GRCh37 (hg19) VCF-style: chr15-62266540-T-C.
Other names: c.2485A>G, p.Met829Val (NM_001018088.3); c.2356A>G, p.Met786Val (NM_017684.5, NM_018080.4); short protein forms M829V, M786V.
Identifiers: ClinVar variation 1358392 (VCV001358392.5), dbSNP rs751148498, ClinGen allele CA7596707.

ClinVar aggregate classification (germline): Uncertain significance (1 of 4 stars; one submission).

Allele frequency attached by ClinVar (database versions not stated): TOPMed 0.00004; gnomAD 0.00005; gnomAD exomes 0.00006 and 0.00007; ExAC 0.00007.
gnomAD v4.1: 99 of 1,612,604 alleles (0.0061%); highest among the groups gnomAD compares: Middle Eastern, 0.36%; 2 homozygotes.

Submission:

Labcorp Genetics (formerly Invitae), Labcorp
Classification: Uncertain significance. Last evaluated: 2021-09-24. Review status: criteria provided, single submitter. Criteria: Invitae Variant Classification Sherloc (09022015). Collection method: clinical testing. Allele origin: germline.
Comment: This sequence change replaces methionine with valine at codon 829 of the VPS13C protein (p.Met829Val). The methionine residue is weakly conserved and there is a small physicochemical difference between methionine and valine. This variant is present in population databases (rs751148498, ExAC 0.01%). This variant has not been reported in the literature in individuals with VPS13C-related conditions. Algorithms developed to predict the effect of missense changes on protein structure and function output the following: SIFT: "Tolerated"; PolyPhen-2: "Benign"; Align-GVGD: "Class C0". The valine amino acid residue is found in multiple mammalian species, suggesting that this missense change does not adversely affect protein function. These predictions have not been confirmed by published functional studies and their clinical significance is uncertain. In summary, the available evidence is currently insufficient to determine the role of this variant in disease. Therefore, it has been classified as a Variant of Uncertain Significance.